The following is an entry in ClinVar:

NM_000829.4(GRIA4):c.2210G>A (p.Arg737Gln)

Gene: GRIA4 (glutamate ionotropic receptor AMPA type subunit 4; plus strand). Cytogenetic location: 11q22.3.
Variant type: single nucleotide variant.
Coding change: c.2210G>A on transcript NM_000829.4 (MANE Select); coding-DNA position 2210, G replaced by A.
Protein change: p.Arg737Gln; replaces arginine 737 with glutamine.
Molecular consequence: missense variant. On other transcripts: non-coding transcript variant (1).
Genome position (GRCh38, 1-based): chr11:105,933,885, G>A. VCF-style: chr11-105933885-G-A. GRCh37 (hg19) VCF-style: chr11-105804611-G-A.
Other names: c.2210G>A, p.Arg737Gln (NM_001077243.3); c.2210G>A (NM_000829.3); short protein forms R737Q.
Identifiers: ClinVar variation 1375529 (VCV001375529.7), dbSNP rs866269713, ClinGen allele CA228077540.

ClinVar aggregate classification (germline): Uncertain significance. Review status: criteria provided, multiple submitters, no conflicts (2 of 4 stars). 2 submissions from 2 submitters: Uncertain significance (2). Last evaluated 2025-03-01.

gnomAD v4.1: 1 of 1,613,378 alleles (0.000062%); highest among the groups gnomAD compares: Non-Finnish European, 0.000085%; no homozygotes.

Submissions (2):

GeneDx
Classification: Uncertain significance. Last evaluated: 2025-03-01. Review status: criteria provided, single submitter. Criteria: GeneDx Variant Classification Process June 2021. Collection method: clinical testing. Allele origin: germline. Affected: yes.
Comment: Not observed at significant frequency in large population cohorts (gnomAD); In silico analysis supports that this missense variant has a deleterious effect on protein structure/function; Has not been previously published as pathogenic or benign to our knowledge

Labcorp Genetics (formerly Invitae), Labcorp
Classification: Uncertain significance. Last evaluated: 2021-02-24. Review status: criteria provided, single submitter. Criteria: Invitae Variant Classification Sherloc (09022015). Collection method: clinical testing. Allele origin: germline.
Comment: In summary, the available evidence is currently insufficient to determine the role of this variant in disease. Therefore, it has been classified as a Variant of Uncertain Significance. Algorithms developed to predict the effect of missense changes on protein structure and function are either unavailable or do not agree on the potential impact of this missense change (SIFT: "Deleterious"; PolyPhen-2: "Probably Damaging"; Align-GVGD: "Class C0"). This variant has not been reported in the literature in individuals with GRIA4-related conditions. This variant is not present in population databases (ExAC no frequency). This sequence change replaces arginine with glutamine at codon 737 of the GRIA4 protein (p.Arg737Gln). The arginine residue is highly conserved and there is a small physicochemical difference between arginine and glutamine.